The following is an entry in ClinVar:

ClinVar aggregate classification (germline): Uncertain significance. Review status: criteria provided, multiple submitters, no conflicts (2 of 4 stars). 2 submissions from 2 submitters: Uncertain significance (2). Last evaluated 2025-06-16.

Allele frequency attached by ClinVar (database versions not stated): ExAC 0.00001; gnomAD 0.00003; gnomAD exomes 0.00003.
gnomAD v4.1: 43 of 1,613,542 alleles (0.0027%); highest among the groups gnomAD compares: Admixed American, 0.017%; no homozygotes.

Submissions (2):

Ambry Genetics
Classification: Uncertain significance. Last evaluated: 2025-06-16. Review status: criteria provided, single submitter. Criteria: Ambry Variant Classification Scheme 2023. Collection method: clinical testing. Allele origin: germline.

Labcorp Genetics (formerly Invitae), Labcorp
Classification: Uncertain significance. Last evaluated: 2024-06-06. Review status: criteria provided, single submitter. Criteria: Invitae Variant Classification Sherloc (09022015). Collection method: clinical testing. Allele origin: germline.
Comment: This sequence change replaces glutamine, which is neutral and polar, with leucine, which is neutral and non-polar, at codon 4534 of the HMCN1 protein (p.Gln4534Leu). This variant is present in population databases (rs746786946, gnomAD 0.02%). This variant has not been reported in the literature in individuals affected with HMCN1-related conditions. ClinVar contains an entry for this variant (Variation ID: 2033106). Algorithms developed to predict the effect of missense changes on protein structure and function output the following: SIFT: "Not Available"; PolyPhen-2: "Possibly Damaging"; Align-GVGD: "Not Available". The leucine amino acid residue is found in multiple mammalian species, which suggests that this missense change does not adversely affect protein function. In summary, the available evidence is currently insufficient to determine the role of this variant in disease. Therefore, it has been classified as a Variant of Uncertain Significance.

NM_031935.3(HMCN1):c.13601A>T (p.Gln4534Leu)

Gene: HMCN1 (hemicentin 1; plus strand). Cytogenetic location: 1q31.1.
Variant type: single nucleotide variant.
Coding change: c.13601A>T on transcript NM_031935.3 (MANE Select); coding-DNA position 13601, A replaced by T.
Protein change: p.Gln4534Leu; replaces glutamine 4534 with leucine.
Molecular consequence: missense variant.
Genome position (GRCh38, 1-based): chr1:186,137,516, A>T. VCF-style: chr1-186137516-A-T. GRCh37 (hg19) VCF-style: chr1-186106648-A-T.
Other names: c.13601A>T (NM_031935.2); short protein forms Q4534L.
Identifiers: ClinVar variation 2033106 (VCV002033106.5), dbSNP rs746786946, ClinGen allele CA1294698.